The following is an entry in ClinVar:

ClinVar aggregate classification (germline): Likely pathogenic. Review status: criteria provided, multiple submitters, no conflicts (2 of 4 stars). 3 submissions from 3 submitters: Likely pathogenic (3). Last evaluated 2024-06-04.

Conditions:
Lethal arthrogryposis-anterior horn cell disease syndrome (CAAHD). Also called: CONGENITAL ARTHROGRYPOSIS WITH ANTERIOR HORN CELL DISEASE. Identifiers: Orphanet 53696, MedGen C5193016, MONDO:0012750, OMIM 611890.
Lethal congenital contracture syndrome 1 (LCCS1). Also called: MULTIPLE CONTRACTURE SYNDROME, FINNISH TYPE. Identifiers: Orphanet 1486, MedGen C1854664, MONDO:0009670, OMIM 253310.

Submissions (3):

Fulgent Genetics
Classification: Likely pathogenic for Lethal congenital contracture syndrome 1; Lethal arthrogryposis-anterior horn cell disease syndrome. Last evaluated: 2024-06-04. Review status: criteria provided, single submitter. Criteria: ACMG Guidelines, 2015. Collection method: clinical testing. Allele origin: germline.

Revvity Omics, Revvity
Classification: Likely pathogenic. Last evaluated: 2021-10-19. Review status: criteria provided, single submitter. Criteria: ACMG Guidelines, 2015. Collection method: clinical testing. Allele origin: germline.

Neuberg Centre For Genomic Medicine, NCGM
Classification: Likely pathogenic for Lethal congenital contracture syndrome 1. Review status: criteria provided, single submitter. Criteria: ACMG Guidelines, 2015. Collection method: clinical testing. Allele origin: germline. Inheritance: Autosomal recessive inheritance. Affected: yes.
Comment: The frameshift c.428del(p.Gly143GlufsTer5) variant in GLE1 gene has not been reported previously as a pathogenic variant nor a benign variant, to our knowledge. The p.Gly143GlufsTer5 variant is novel (not in any individuals) in both gnomAD Exomes and 1000 Genomes databases. This variant has been reported to the ClinVar database as Likely Pathogenic. This variant causes a frameshift starting with codon Glycine 143, changes this amino acid to Glutamic Acid residue, and creates a premature Stop codon at position 5 of the new reading frame, denoted p.Gly143GlufsTer5. This variant is predicted to cause loss of normal protein function through protein truncation. Loss of function variants have been previously reported to be disease causing. For these reasons, this variant has been classified as Likely Pathogenic.

NM_001003722.2(GLE1):c.428del (p.Gly143fs)

Gene: GLE1 (GLE1 RNA export mediator; plus strand). Cytogenetic location: 9q34.11.
Variant type: Deletion.
Coding change: c.428del on transcript NM_001003722.2 (MANE Select); coding-DNA position 428, one base deleted (G; older notation c.428delG).
Protein change: p.Gly143fs; shifts the reading frame from glycine 143.
Molecular consequence: frameshift variant.
Genome position (GRCh38, 1-based): chr9:128,515,635, G deleted; the last of 2 consecutive G bases (chr9:128,515,634-128,515,635); deleting either gives the same sequence. VCF-style (leftmost placement, unchanged base first): chr9-128515633-AG-A. GRCh37 (hg19) VCF-style: chr9-131277912-AG-A.
Other names: c.428del, p.Gly143fs (NM_001499.2); short protein forms G143fs.
Identifiers: ClinVar variation 1324481 (VCV001324481.6), dbSNP rs2132430609, ClinGen allele CA2573053106.